The following is an entry in ClinVar:

NM_004415.4(DSP):c.1371C>T (p.Ser457=)

Gene: DSP (desmoplakin; plus strand). Cytogenetic location: 6p24.3.
Variant type: single nucleotide variant.
Coding change: c.1371C>T on transcript NM_004415.4 (MANE Select); coding-DNA position 1371, C replaced by T.
Protein change: p.Ser457=; no amino-acid change (serine 457 retained).
Molecular consequence: synonymous variant.
Genome position (GRCh38, 1-based): chr6:7,568,541, C>T. VCF-style: chr6-7568541-C-T. GRCh37 (hg19) VCF-style: chr6-7568774-C-T.
Other names: c.1371C>T, p.Ser457= (NM_001008844.3, NM_001319034.2, NM_001406591.1).
Identifiers: ClinVar variation 3386629 (VCV003386629.1).

ClinVar aggregate classification (germline): Likely benign (1 of 4 stars; one submission).

Conditions:
Arrhythmogenic cardiomyopathy with wooly hair and keratoderma. Also called: Carvajal syndrome; PALMOPLANTAR KERATODERMA WITH LEFT VENTRICULAR CARDIOMYOPATHY AND WOOLLY HAIR; Dilated cardiomyopathy with woolly hair and keratoderma; Arrhythmogenic cardiomyopathy with woolly hair and keratoderma. Identifiers: Orphanet 65282, MedGen C1854063, MONDO:0011581, OMIM 605676.

Submission:

All of Us Research Program, National Institutes of Health
Classification: Likely benign for Arrhythmogenic cardiomyopathy with wooly hair and keratoderma. Last evaluated: 2024-07-29. Review status: criteria provided, single submitter. Criteria: ACMG Guidelines, 2015. Collection method: clinical testing. Allele origin: germline. Inheritance: Autosomal dominant inheritance. Observed: 1 variant allele, 1 heterozygote.
Comment: This study involves interpretation of variants in research participants for the purpose of population health screening. Participant phenotype was not available at the time of variant classification. Additional details can be found in publication PMID: 35346344, PMCID: PMC8962531